The following is an entry in ClinVar:

ClinVar aggregate classification (germline): Uncertain significance (1 of 4 stars; one submission).

Conditions:
Hereditary cancer-predisposing syndrome. Also called: Tumor predisposition; Hereditary Cancer Syndrome; Neoplastic Syndromes, Hereditary; Hereditary neoplastic syndrome. Identifiers: Orphanet 140162, MedGen C0027672, MeSH D009386, MONDO:0015356.

Submission:

Ambry Genetics
Classification: Uncertain significance for Hereditary cancer-predisposing syndrome. Last evaluated: 2021-12-11. Review status: criteria provided, single submitter. Criteria: Ambry Variant Classification Scheme 2023. Collection method: clinical testing. Allele origin: germline.
Comment: The p.K931Q variant (also known as c.2791A>C), located in coding exon 21 of the POLD1 gene, results from an A to C substitution at nucleotide position 2791. The lysine at codon 931 is replaced by glutamine, an amino acid with similar properties. This amino acid position is conserved. In addition, this alteration is predicted to be tolerated by in silico analysis. Since supporting evidence is limited at this time, the clinical significance of this alteration remains unclear.

NM_002691.4(POLD1):c.2791A>C (p.Lys931Gln)

Gene: POLD1 (DNA polymerase delta 1, catalytic subunit; plus strand). Cytogenetic location: 19q13.33.
Variant type: single nucleotide variant.
Coding change: c.2791A>C on transcript NM_002691.4 (MANE Select); coding-DNA position 2791, A replaced by C.
Protein change: p.Lys931Gln; replaces lysine 931 with glutamine.
Molecular consequence: missense variant.
Genome position (GRCh38, 1-based): chr19:50,415,797, A>C. VCF-style: chr19-50415797-A-C. GRCh37 (hg19) VCF-style: chr19-50919054-A-C.
Other names: c.2791A>C, p.Lys931Gln (NM_001256849.1); c.2869A>C, p.Lys957Gln (NM_001308632.1); short protein forms K931Q, K957Q.
Identifiers: ClinVar variation 1796052 (VCV001796052.2), dbSNP rs2514058764, ClinGen allele CA406986039.